The following is an entry in ClinVar:

NM_001122659.3(EDNRB):c.94C>T (p.Pro32Ser)

Gene: EDNRB (endothelin receptor type B; minus strand). Cytogenetic location: 13q22.3.
Variant type: single nucleotide variant.
Coding change: c.94C>T on transcript NM_001122659.3 (MANE Select); coding-DNA position 94, C replaced by T.
Protein change: p.Pro32Ser; replaces proline 32 with serine.
Molecular consequence: missense variant.
Genome position (GRCh38, 1-based): chr13:77,918,480, G>A on the plus strand (C>T on the coding strand, the complement: EDNRB is on the minus strand). VCF-style: chr13-77918480-G-A. GRCh37 (hg19) VCF-style: chr13-78492615-G-A.
Other names: c.94C>T, p.Pro32Ser (NM_000115.5, NM_003991.4); c.364C>T, p.Pro122Ser (NM_001201397.2); c.94C>T (NM_000115.3); short protein forms P32S, P122S.
Identifiers: ClinVar variation 2886137 (VCV002886137.4), dbSNP rs200723251, ClinGen allele CA7012398.

ClinVar aggregate classification (germline): Uncertain significance. Review status: criteria provided, multiple submitters, no conflicts (2 of 4 stars). 2 submissions from 2 submitters: Uncertain significance (2). Last evaluated 2025-10-08.

Conditions:
Inborn genetic diseases. Identifiers: MedGen C0950123, MeSH D030342.

Allele frequency attached by ClinVar (database versions not stated): ExAC 0.00002; gnomAD 0.00002; TOPMed below 0.00001.
gnomAD v4.1: 18 of 1,562,702 alleles (0.0012%); highest among the groups gnomAD compares: Admixed American, 0.0019%; no homozygotes.

Submissions (2):

Labcorp Genetics (formerly Invitae), Labcorp
Classification: Uncertain significance. Last evaluated: 2025-10-08. Review status: criteria provided, single submitter. Criteria: Invitae Variant Classification Sherloc (09022015). Collection method: clinical testing. Allele origin: germline.
Comment: This sequence change replaces proline, which is neutral and non-polar, with serine, which is neutral and polar, at codon 32 of the EDNRB protein (p.Pro32Ser). This variant is present in population databases (rs200723251, gnomAD 0.005%). This variant has not been reported in the literature in individuals affected with EDNRB-related conditions. ClinVar contains an entry for this variant (Variation ID: 2886137). An algorithm developed to predict the effect of missense changes on protein structure and function outputs the following: PolyPhen-2: "Benign". The serine amino acid residue is found in multiple mammalian species, which suggests that this missense change does not adversely affect protein function. In summary, the available evidence is currently insufficient to determine the role of this variant in disease. Therefore, it has been classified as a Variant of Uncertain Significance.

Ambry Genetics
Classification: Uncertain significance for Inborn genetic diseases. Last evaluated: 2025-01-29. Review status: criteria provided, single submitter. Criteria: Ambry Variant Classification Scheme 2023. Collection method: clinical testing. Allele origin: germline.